The following is an entry in ClinVar:

NM_000170.3(GLDC):c.814A>C (p.Lys272Gln)

Gene: GLDC (glycine decarboxylase; minus strand). Cytogenetic location: 9p24.1.
Variant type: single nucleotide variant.
Coding change: c.814A>C on transcript NM_000170.3 (MANE Select); coding-DNA position 814, A replaced by C.
Protein change: p.Lys272Gln; replaces lysine 272 with glutamine.
Molecular consequence: missense variant.
Genome position (GRCh38, 1-based): chr9:6,605,178, T>G on the plus strand (A>C on the coding strand, the complement: GLDC is on the minus strand). VCF-style: chr9-6605178-T-G. GRCh37 (hg19) VCF-style: chr9-6605178-T-G.
Other names: short protein forms K272Q.
Identifiers: ClinVar variation 2499086 (VCV002499086.29), dbSNP rs2489104231, ClinGen allele CA372896361.

ClinVar aggregate classification (germline): Uncertain significance. Review status: criteria provided, multiple submitters, no conflicts (2 of 4 stars). 2 submissions from 2 submitters: Uncertain significance (2). Last evaluated 2023-02-01.

Submissions (2):

CeGaT Center for Human Genetics Tuebingen
Classification: Uncertain significance. Last evaluated: 2023-02-01. Review status: criteria provided, single submitter. Criteria: CeGaT Center For Human Genetics Tuebingen Variant Classification Criteria Version 2. Collection method: clinical testing. Allele origin: germline. Affected: yes. Observed: 2 variant alleles.
Comment: GLDC: PM2

Blueprint Genetics
Classification: Uncertain significance. Last evaluated: 2020-10-30. Review status: criteria provided, single submitter. Criteria: ACMG Guidelines, 2015. Collection method: clinical testing. Allele origin: germline.